The following is an entry in ClinVar:

NM_001113491.2(SEPTIN9):c.340A>T (p.Ile114Phe)

Gene: SEPTIN9 (septin 9; plus strand). Cytogenetic location: 17q25.3.
Variant type: single nucleotide variant.
Coding change: c.340A>T on transcript NM_001113491.2 (MANE Select); coding-DNA position 340, A replaced by T.
Protein change: p.Ile114Phe; replaces isoleucine 114 with phenylalanine.
Molecular consequence: missense variant. On other transcripts: 5 prime UTR variant (2).
Genome position (GRCh38, 1-based): chr17:77,402,322, A>T. VCF-style: chr17-77402322-A-T. GRCh37 (hg19) VCF-style: chr17-75398404-A-T.
Other names: c.-153A>T (NM_001113492.2, NM_001113494.1); c.319A>T, p.Ile107Phe (NM_001113493.2); c.283A>T, p.Ile95Phe (NM_001293695.2); c.286A>T, p.Ile96Phe (NM_006640.5); short protein forms I107F, I114F, I95F, I96F.
Identifiers: ClinVar variation 2648329 (VCV002648329.24), dbSNP rs1414985906, ClinGen allele CA401205969.

ClinVar aggregate classification (germline): Uncertain significance (1 of 4 stars; one submission).

Allele frequency attached by ClinVar (database versions not stated): gnomAD exomes below 0.00001; TOPMed below 0.00001; gnomAD 0.00001.
gnomAD v4.1: 7 of 1,612,610 alleles (0.00043%); highest among the groups gnomAD compares: Non-Finnish European, 0.00051%; no homozygotes.

Submission:

CeGaT Center for Human Genetics Tuebingen
Classification: Uncertain significance. Last evaluated: 2023-02-01. Review status: criteria provided, single submitter. Criteria: CeGaT Center For Human Genetics Tuebingen Variant Classification Criteria Version 2. Collection method: clinical testing. Allele origin: germline. Affected: yes. Observed: 1 variant allele.
Comment: SEPTIN9: PM2